The following is an entry in ClinVar:

ClinVar aggregate classification (germline): Uncertain significance (1 of 4 stars; one submission).

Conditions:
MTOR-related disorder. Also called: MTOR-related condition.

gnomAD v4.1: 1 of 1,613,996 alleles (0.000062%); highest among the groups gnomAD compares: Non-Finnish European, 0.000085%; no homozygotes.

Submission:

PreventionGenetics, part of Exact Sciences
Classification: Uncertain significance for MTOR-related condition. Last evaluated: 2024-12-03. Review status: criteria provided, single submitter. Criteria: ACMG Guidelines, 2015. Collection method: clinical testing. Allele origin: germline.
Comment: The MTOR c.1474G>T variant is predicted to result in the amino acid substitution p.Ala492Ser. To our knowledge, this variant has not been reported in the literature or in a large population database (gnomAD), indicating this variant is rare. At this time, the clinical significance of this variant is uncertain due to the absence of conclusive functional and genetic evidence.

NM_004958.4(MTOR):c.1474G>T (p.Ala492Ser)

Gene: MTOR (mechanistic target of rapamycin kinase; minus strand). Cytogenetic location: 1p36.22.
Variant type: single nucleotide variant.
Coding change: c.1474G>T on transcript NM_004958.4 (MANE Select); coding-DNA position 1474, G replaced by T.
Protein change: p.Ala492Ser; replaces alanine 492 with serine.
Molecular consequence: missense variant.
Genome position (GRCh38, 1-based): chr1:11,241,620, C>A on the plus strand (G>T on the coding strand, the complement: MTOR is on the minus strand). VCF-style: chr1-11241620-C-A. GRCh37 (hg19) VCF-style: chr1-11301677-C-A.
Other names: c.1474G>T, p.Ala492Ser (NM_001386500.1); c.226G>T, p.Ala76Ser (NM_001386501.1); short protein forms A492S, A76S.
Identifiers: ClinVar variation 2636374 (VCV002636374.2), dbSNP rs2100915129, ClinGen allele CA338395001.